The following is an entry in ClinVar:

ClinVar aggregate classification (germline): Uncertain significance (1 of 4 stars; one submission).

Conditions:
Inborn genetic diseases. Identifiers: MedGen C0950123, MeSH D030342.

gnomAD v4.1: 85 of 1,613,070 alleles (0.0053%); highest among the groups gnomAD compares: Middle Eastern, 0.033%; no homozygotes.

Submission:

Ambry Genetics
Classification: Uncertain significance for Inborn genetic diseases. Last evaluated: 2026-01-22. Review status: criteria provided, single submitter. Criteria: Ambry Variant Classification Scheme 2023. Collection method: clinical testing. Allele origin: germline.
Comment: The c.4060G>A (p.G1354S) alteration is located in exon 15 (coding exon 13) of the MTCL1 gene. This alteration results from a G to A substitution at nucleotide position 4060, causing the glycine (G) at amino acid position 1354 to be replaced by a serine (S). Based on data from gnomAD, the A allele has an overall frequency of 0.005% (13/249584) total alleles studied. The highest observed frequency was 0.012% (4/34438) of Latino alleles. Based on insufficient or conflicting evidence, the clinical significance of this alteration remains unclear.

NM_001395333.1(MTCL1):c.5140G>A (p.Gly1714Ser)

Gene: MTCL1 (microtubule crosslinking factor 1; plus strand). Cytogenetic location: 18p11.22.
Variant type: single nucleotide variant.
Coding change: c.5140G>A on transcript NM_001395333.1 (MANE Select); coding-DNA position 5140, G replaced by A.
Protein change: p.Gly1714Ser; replaces glycine 1714 with serine.
Molecular consequence: missense variant.
Genome position (GRCh38, 1-based): chr18:8,825,570, G>A. VCF-style: chr18-8825570-G-A. GRCh37 (hg19) VCF-style: chr18-8825568-G-A.
Other names: c.4060G>A, p.Gly1354Ser (NM_015210.4); c.5017G>A, p.Gly1673Ser (NM_001378205.1, NM_001378207.1); c.5140G>A, p.Gly1714Ser (NM_001378206.1); c.3937G>A, p.Gly1313Ser (NM_001395220.1); short protein forms G1673S, G1313S, G1354S, G1714S.
Identifiers: ClinVar variation 4828652 (VCV004828652.1).